The following is an entry in ClinVar:

ClinVar aggregate classification (germline): Uncertain significance (1 of 4 stars; one submission).

Allele frequency attached by ClinVar (database versions not stated): TOPMed below 0.00001; gnomAD exomes 0.00001; ExAC 0.00004.
gnomAD v4.1: 4 of 1,578,960 alleles (0.00025%); highest among the groups gnomAD compares: Admixed American, 0.0056%; no homozygotes.

Submission:

Labcorp Genetics (formerly Invitae), Labcorp
Classification: Uncertain significance. Last evaluated: 2025-02-10. Review status: criteria provided, single submitter. Criteria: Invitae Variant Classification Sherloc (09022015). Collection method: clinical testing. Allele origin: germline.
Comment: This sequence change replaces glutamine with leucine at codon 1003 of the CEP250 protein (p.Gln1003Leu). The glutamine residue is moderately conserved and there is a moderate physicochemical difference between glutamine and leucine. This variant is present in population databases (rs765672057, gnomAD 0.01%). This variant has not been reported in the literature in individuals affected with CEP250-related conditions. ClinVar contains an entry for this variant (Variation ID: 1493368). An algorithm developed to predict the effect of missense changes on protein structure and function outputs the following: PolyPhen-2: "Benign". The leucine amino acid residue is found in multiple mammalian species, which suggests that this missense change does not adversely affect protein function. In summary, the available evidence is currently insufficient to determine the role of this variant in disease. Therefore, it has been classified as a Variant of Uncertain Significance.

NM_007186.6(CEP250):c.3008A>T (p.Gln1003Leu)

Gene: CEP250 (centrosomal protein 250; plus strand). Cytogenetic location: 20q11.22.
Variant type: single nucleotide variant.
Coding change: c.3008A>T on transcript NM_007186.6 (MANE Select); coding-DNA position 3008, A replaced by T.
Protein change: p.Gln1003Leu; replaces glutamine 1003 with leucine.
Molecular consequence: missense variant.
Genome position (GRCh38, 1-based): chr20:35,493,547, A>T. VCF-style: chr20-35493547-A-T. GRCh37 (hg19) VCF-style: chr20-34081374-A-T.
Other names: c.1112A>T, p.Gln371Leu (NM_001318219.1); short protein forms Q371L, Q1003L.
Identifiers: ClinVar variation 1493368 (VCV001493368.8), dbSNP rs765672057, ClinGen allele CA9833352.